The following is an entry in ClinVar:

ClinVar aggregate classification (germline): Uncertain significance (1 of 4 stars; one submission).

Submission:

Women's Health and Genetics/Laboratory Corporation of America, LabCorp
Classification: Uncertain significance. Last evaluated: 2026-04-30. Review status: criteria provided, single submitter. Criteria: LabCorp Variant Classification Summary - May 2015. Collection method: clinical testing. Allele origin: germline.
Comment: Variant summary: PLA2G6 c.1979C>T (p.Pro660Leu) results in a non-conservative amino acid change in the encoded protein sequence. Algorithms developed to predict the effect of missense changes on protein structure and function all suggest that this variant is likely to be disruptive. The variant was absent in 249542 control chromosomes. The available data on variant occurrences in the general population are insufficient to allow any conclusion about variant significance. To our knowledge, no occurrence of c.1979C>T in individuals affected with PLA2G6-related conditions and no experimental evidence demonstrating its impact on protein function have been reported. No submitters have cited clinical-significance assessments for this variant to ClinVar. Based on the evidence outlined above, the variant was classified as uncertain significance.

NM_003560.4(PLA2G6):c.1979C>T (p.Pro660Leu)

Gene: PLA2G6 (phospholipase A2 group VI; minus strand). Cytogenetic location: 22q13.1.
Variant type: single nucleotide variant.
Coding change: c.1979C>T on transcript NM_003560.4 (MANE Select); coding-DNA position 1979, C replaced by T.
Protein change: p.Pro660Leu; replaces proline 660 with leucine.
Molecular consequence: missense variant.
Genome position (GRCh38, 1-based): chr22:38,115,582, G>A on the plus strand (C>T on the coding strand, the complement: PLA2G6 is on the minus strand). VCF-style: chr22-38115582-G-A. GRCh37 (hg19) VCF-style: chr22-38511589-G-A.
Other names: c.1817C>T, p.Pro606Leu (NM_001004426.3, NM_001199562.3, NM_001349865.2 and 1 more transcripts); c.1979C>T, p.Pro660Leu (NM_001349864.2); c.1445C>T, p.Pro482Leu (NM_001349867.2); c.1301C>T, p.Pro434Leu (NM_001349868.2); c.1283C>T, p.Pro428Leu (NM_001349869.2); short protein forms P428L, P434L, P482L, P606L, P660L.
Identifiers: ClinVar variation 4848592 (VCV004848592.1).
Genomic context (GRCh38, chr22:38,115,582, plus strand): 5'-CTCACCTTGCGGATCAGGTCCTGATTGTACTCATGGATCTCGGTCATGGCATCCAGCGTG[G>A]GGTTGTTGGCCAGCAGCCCACCGTCCAGGAAGCGCCCATTGGGTCGGAAGTAAGTAGGAG-3'
Protein context (NP_003551.2, residues 650-670): FLDGGLLANN[Pro660Leu]TLDAMTEIHE